The following is an entry in ClinVar:

NM_001164665.2(KIAA1549):c.5198A>C (p.Gln1733Pro)

Gene: KIAA1549 (KIAA1549; minus strand). Cytogenetic location: 7q34.
Variant type: single nucleotide variant.
Coding change: c.5198A>C on transcript NM_001164665.2 (MANE Select); coding-DNA position 5198, A replaced by C.
Protein change: p.Gln1733Pro; replaces glutamine 1733 with proline.
Molecular consequence: missense variant.
Genome position (GRCh38, 1-based): chr7:138,861,188, T>G on the plus strand (A>C on the coding strand, the complement: KIAA1549 is on the minus strand). VCF-style: chr7-138861188-T-G. GRCh37 (hg19) VCF-style: chr7-138545934-T-G.
Other names: c.5198A>C, p.Gln1733Pro (NM_020910.3); short protein forms Q1733P.
Identifiers: ClinVar variation 1057769 (VCV001057769.9), dbSNP rs946277260, ClinGen allele CA167144044.
Genomic context (GRCh38, chr7:138,861,188, plus strand): 5'-CCAGTACTTACACTGCAGGGATTGTTGGCCGTCTGGGCTGGGCTGTAGAAGGACCCCCAC[T>G]GGGTGGCTCGCCTCTCTTCCTGGGAAGGGGTGCTGTTTGCGGGCAGGCCGGGTGGGACTC-3'
Protein context (NP_001158137.1, residues 1723-1743): TPSQEERRAT[Gln1733Pro]WGSFYSPAQT

ClinVar aggregate classification (germline): Uncertain significance (1 of 4 stars; one submission).

Allele frequency attached by ClinVar (database versions not stated): gnomAD exomes below 0.00001; TOPMed below 0.00001.
gnomAD v4.1: 4 of 1,613,788 alleles (0.00025%); highest among the groups gnomAD compares: Non-Finnish European, 0.00034%; no homozygotes.

Submission:

Labcorp Genetics (formerly Invitae), Labcorp
Classification: Uncertain significance. Last evaluated: 2020-02-22. Review status: criteria provided, single submitter. Criteria: Invitae Variant Classification Sherloc (09022015). Collection method: clinical testing. Allele origin: germline.
Comment: Algorithms developed to predict the effect of missense changes on protein structure and function are either unavailable or do not agree on the potential impact of this missense change (SIFT: "Tolerated"; PolyPhen-2: "Probably Damaging"; Align-GVGD: "Class C0"). In summary, the available evidence is currently insufficient to determine the role of this variant in disease. Therefore, it has been classified as a Variant of Uncertain Significance. This variant has not been reported in the literature in individuals with KIAA1549-related conditions. This variant is not present in population databases (ExAC no frequency). This sequence change replaces glutamine with proline at codon 1733 of the KIAA1549 protein (p.Gln1733Pro). The glutamine residue is highly conserved and there is a moderate physicochemical difference between glutamine and proline.